The following is an entry in ClinVar:

NM_000297.4(PKD2):c.2020-1_2020del

Gene: PKD2 (polycystin 2, transient receptor potential cation channel; plus strand). Cytogenetic location: 4q22.1.
Variant type: Deletion.
Coding change: c.2020-1_2020del on transcript NM_000297.4 (MANE Select); the canonical splice acceptor site of the intron before coding-DNA position 2020 through coding-DNA position 2020, 2 bases deleted (GA; older notation c.2020-1_2020delGA).
Molecular consequence: splice acceptor variant.
Genome position (GRCh38, 1-based): chr4:88,061,905-88,061,906, GA deleted; deleting any 2 consecutive bases within chr4:88,061,904-88,061,906 gives the same sequence; the c. name uses the placement nearest the transcript's 3' end. VCF-style (leftmost placement, unchanged base first): chr4-88061903-CAG-C. GRCh37 (hg19) VCF-style: chr4-88983055-CAG-C.
Other names: c.2020-1_2020delGA (NM_000297.3).
Identifiers: ClinVar variation 449307 (VCV000449307.17), dbSNP rs1553927436, ClinGen allele CA658657395.

ClinVar aggregate classification (germline): Pathogenic/Likely pathogenic. Review status: criteria provided, multiple submitters, no conflicts (2 of 4 stars). 7 submissions from 7 submitters: Pathogenic (5); Likely pathogenic (1). 1 of the submissions does not count toward it. Last evaluated 2025-03-26.

Conditions:
PKD2-related disorder. Also called: PKD2-related condition.
Autosomal dominant polycystic kidney disease. Identifiers: Orphanet 730, MedGen C0085413, MONDO:0004691.
Polycystic kidney disease 2 (PKD2). Also called: POLYCYSTIC KIDNEY DISEASE, ADULT, TYPE II; POLYCYSTIC KIDNEY DISEASE 2 WITH OR WITHOUT POLYCYSTIC LIVER DISEASE; Polycystic Kidney Disease 2, Autosomal Dominant. Identifiers: MedGen C2751306, MONDO:0013131, OMIM 613095.
Polycystic kidney disease. Also called: Polycystic kidney dysplasia; Kidney, Polycystic. Identifiers: MedGen C0022680, MeSH D007690, MONDO:0020642, HP:0000113.

Submissions (7):

GeneDx
Classification: Likely pathogenic. Last evaluated: 2025-03-26. Review status: criteria provided, single submitter. Criteria: GeneDx Variant Classification Process June 2021. Collection method: clinical testing. Allele origin: germline. Affected: yes.
Comment: Canonical splice site variant predicted to result in an in-frame loss of the adjacent exon in a gene for which loss of function is a known mechanism of disease; Not observed at significant frequency in large population cohorts (gnomAD); This variant is associated with the following publications: (PMID: 27499327, 21115670)

Victorian Clinical Genetics Services, Murdoch Childrens Research Institute
Classification: Pathogenic for Polycystic kidney disease 2. Last evaluated: 2024-11-20. Review status: criteria provided, single submitter. Criteria: ACMG Guidelines, 2015. Collection method: clinical testing. Allele origin: germline. Affected: yes.
Comment: This variant is classified as Pathogenic. Evidence in support of pathogenic classification: Canonical splice site variant without proven consequence on splicing (no functional evidence available); Variant is absent from gnomAD (v2, v3 and v4); This variant has strong previous evidence of pathogenicity in unrelated individuals. This variant has been classified as likely pathogenic/pathogenic by clinical laboratories in ClinVar and reported in literature in an ADPKD patient (PMID: 21115670); Abnormal splicing is predicted by in silico tool and affected nucleotide is highly conserved. Additional information: This variant is heterozygous; This gene is associated with autosomal dominant disease; Loss of function is a known mechanism of disease in this gene and is associated with polycystic kidney disease 2 (MIM#613095); Inheritance information for this variant is not currently available in this individual.

Blueprint Genetics
Classification: Pathogenic for PKD2-related disorders. Last evaluated: 2024-03-25. Review status: criteria provided, single submitter. Criteria: ACMG Guidelines, 2015. Collection method: clinical testing. Allele origin: germline. Affected: yes. Observed: 2 variant alleles.

Fulgent Genetics
Classification: Pathogenic for Polycystic kidney disease 2. Last evaluated: 2024-03-25. Review status: criteria provided, single submitter. Criteria: ACMG Guidelines, 2015. Collection method: clinical testing. Allele origin: germline.

Labcorp Genetics (formerly Invitae), Labcorp
Classification: Pathogenic for Autosomal dominant polycystic kidney disease. Last evaluated: 2022-01-10. Review status: criteria provided, single submitter. Criteria: Invitae Variant Classification Sherloc (09022015). Collection method: clinical testing. Allele origin: germline.
Comment: For these reasons, this variant has been classified as Pathogenic. Algorithms developed to predict the effect of sequence changes on RNA splicing suggest that this variant may disrupt the consensus splice site. ClinVar contains an entry for this variant (Variation ID: 449307). This variant is also known as c.2020-1_2020del, c.2020-2_-1delAG (IVS9-2_-1delAG). Disruption of this splice site has been observed in individuals with polycystic kidney disease (PMID: 21115670, 27499327). This variant is not present in population databases (gnomAD no frequency). This sequence change affects a splice site in intron 10 of the PKD2 gene. It is expected to disrupt RNA splicing. Variants that disrupt the donor or acceptor splice site typically lead to a loss of protein function (PMID: 16199547), and loss-of-function variants in PKD2 are known to be pathogenic (PMID: 17582161, 22863349).

Cavalleri Lab, Royal College of Surgeons in Ireland
Classification: Pathogenic for Polycystic kidney disease 2. Last evaluated: 2020-02-05. Review status: criteria provided, single submitter. Criteria: ACMG Guidelines, 2015. Collection method: research. Allele origin: unknown. Inheritance: Autosomal dominant inheritance. Affected: yes.
Comment: PVS1, PM2, PP4

Department of Pathology and Laboratory Medicine, Sinai Health System
Classification: Pathogenic for Polycystic Kidney disease. Review status: no assertion criteria provided. Collection method: clinical testing. Allele origin: unknown. Affected: yes. Study: The Canadian Open Genetics Repository (COGR). Not counted in ClinVar's aggregate classification.
Comment: The PKD2 c.2020-1_2020delGA variant was identified in the literature however the frequency of this variant in an affected population was not provided (Yu 2011, Hoefele 2011). The variant was also identified in the ADPKD Mutation Database (classified as definitely pathogenic). The variant was not identified in dbSNP, ClinVar, Clinvitae, COGR, or LOVD 3.0 databases nor in the 1000 Genomes Project, the NHLBI GO Exome Sequencing Project, the Exome Aggregation Consortium (August 8th 2016), or the Genome Aggregation Database (Feb 27, 2017). The variant has been found in one Chinese ADPKD family (described using the nomenclature c.2020-2_1, but resulting in the same splice variant) and in a German family with at least one ADPKD affected family member (Yu, 2011, Hoefele, 2011). The c.2020-1_2020del variant results in a deletion of the critical -1 canonical splice site nucleotide, is located in the 5â€šÃ„Ã´ splice site and 4 of 5 in silico or computational prediction software programs (SpliceSiteFinder, MaxEntScan, NNSPLICE, GeneSplicer, HumanSpliceFinder) predict a difference in splicing. In summary, based on the above information this variant meets our laboratoryâ€šÃ„Ã´s criteria to be classified as pathogenic.

Literature cited by the submitters: PubMed 21115670 (cited by Victorian Clinical Genetics Services, Murdoch Childrens Research Institute and Labcorp Genetics (formerly Invitae), Labcorp); PubMed 27499327 (cited by Labcorp Genetics (formerly Invitae), Labcorp); PubMed 16199547 (cited by Labcorp Genetics (formerly Invitae), Labcorp); PubMed 17582161 (cited by Labcorp Genetics (formerly Invitae), Labcorp); PubMed 22863349 (cited by Labcorp Genetics (formerly Invitae), Labcorp).